The following is an entry in ClinVar:

ClinVar aggregate classification (germline): Pathogenic (1 of 4 stars; one submission).

Conditions:
Neurofibromatosis, type 1 (NF1). Also called: VON RECKLINGHAUSEN DISEASE; Neurofibromatosis, type I; NEUROFIBROMATOSIS, TYPE I, SOMATIC; Peripheral type neurofibromatosis. Identifiers: Orphanet 636, MedGen C0027831, MONDO:0018975, OMIM 162200. Disease mechanism: loss of function.

Submission:

Labcorp Genetics (formerly Invitae), Labcorp
Classification: Pathogenic for Neurofibromatosis, type 1. Last evaluated: 2024-03-09. Review status: criteria provided, single submitter. Criteria: Invitae Variant Classification Sherloc (09022015). Collection method: clinical testing. Allele origin: germline.
Comment: This sequence change inserts a large fragment of DNA, likely a transposable element, in exon 45 of the NF1 gene (c.6790_6791ins?), causing a frameshift at codon 2264 (p.Tyr2264fs). The exact size and sequence of the insertion cannot be determined by the current assay. However, the insertion is expected to result in an absent or disrupted protein product. This variant is not present in population databases (gnomAD no frequency). This variant has not been reported in the literature in individuals affected with NF1-related conditions. Retrotransposon insertions including LINE1 (L1), Alu, and SVA (SINE-VNTR-Alu) have been reported to be disease-causing through disruption of either a coding region or splice site (PMID: 19763152, 20307669, 22406018) and loss-of-function variants in NF1 are known to be pathogenic (PMID: 10712197, 23913538). For these reasons, this variant has been classified as Pathogenic.

Literature cited by the submitters: PubMed 19763152; PubMed 20307669; PubMed 22406018; PubMed 10712197; PubMed 23913538.

NM_001042492.3(NF1):c.6853_6854insGCCGGGCGCGGTGGCTCACGCCTGTAATCCCAGCACTTTGGGAGGCCGAGGCGGGTGGATCATGAGGTCAGNNNNNNNNNNAAAAAAAAAAAAAAAAAAAAAAAAGGACCTGACACTT (p.Tyr2285delinsCysArgAlaArgTrpLeuThrProValIleProAlaLeuTrpGluAlaGluAlaGlyGlySerTer)

Gene: NF1 (neurofibromin 1; plus strand). Cytogenetic location: 17q11.2.
Variant type: Microsatellite.
Coding change: c.6853_6854insGCCGGGCGCGGTGGCTCACGCCTGTAATCCCAGCACTTTGGGAGGCCGAGGCGGGTGGATCATGAGGTCAGNNNNNNNNNNAAAAAAAAAAAAAAAAAAAAAAAAGGACCTGACACTT on transcript NM_001042492.3 (MANE Select); coding-DNA positions 6853 to 6854, GCCGGGCGCGGTGGCTCACGCCTGTAATCCCAGCACTTTGGGAGGCCGAGGCGGGTGGATCATGAGGTCAGNNNNNNNNNNAAAAAAAAAAAAAAAAAAAAAAAAGGACCTGACACTT inserted.
Protein change: p.Tyr2285delinsCysArgAlaArgTrpLeuThrProValIleProAlaLeuTrpGluAlaGluAlaGlyGlySerTer.
Molecular consequence: nonsense. On other transcripts: frameshift variant (1).
Genome position: GRCh38: chr17:31,338,721-31,338,737. GRCh37 (hg19): chr17:29,665,739-29,665,755.
Other names: c.6774_6790A[4][1], p.Gly2260Thrfs (NM_000267.4).
Identifiers: ClinVar variation 2766941 (VCV002766941.3).